The following is an entry in ClinVar:

ClinVar aggregate classification (germline): Uncertain significance. Review status: criteria provided, multiple submitters, no conflicts (2 of 4 stars). 4 submissions from 4 submitters: Uncertain significance (4). Last evaluated 2026-05-18.

Conditions:
Ullrich congenital muscular dystrophy 2 (UCMD2). Identifiers: Orphanet 75840, MedGen C4225314, MONDO:0014654, OMIM 616470.
Bethlem myopathy 2 (BTHLM2). Identifiers: Orphanet 536516, Orphanet 610, MedGen C4225313, MONDO:0034022, OMIM 616471.
COL12A1-related disorder. Also called: COL12A1-related condition.

Allele frequency attached by ClinVar (database versions not stated): gnomAD exomes 0.00001 and 0.00002; TOPMed below 0.00001; gnomAD 0.00001.
gnomAD v4.1: 30 of 1,614,026 alleles (0.0019%); highest among the groups gnomAD compares: Non-Finnish European, 0.0025%; no homozygotes.

Submissions (4):

Women's Health and Genetics/Laboratory Corporation of America, LabCorp
Classification: Uncertain significance. Last evaluated: 2026-05-18. Review status: criteria provided, single submitter. Criteria: LabCorp Variant Classification Summary - May 2015. Collection method: clinical testing. Allele origin: germline.
Comment: Variant summary: COL12A1 c.5629T>G (p.Phe1877Val) results in a non-conservative amino acid change in the encoded protein sequence. Algorithms developed to predict the effect of missense changes on protein structure and function are either unavailable or do not agree on the potential impact of this missense change. The variant allele was found at a frequency of 8e-06 in 249340 control chromosomes. The available data on variant occurrences in the general population are insufficient to allow any conclusion about variant significance. To our knowledge, no occurrence of c.5629T>G in individuals affected with COL12A1-related conditions and no experimental evidence demonstrating its impact on protein function have been reported. ClinVar contains an entry for this variant (Variation ID: 1037341). Based on the evidence outlined above, the variant was classified as uncertain significance.

Labcorp Genetics (formerly Invitae), Labcorp
Classification: Uncertain significance for Bethlem myopathy 2; Ullrich congenital muscular dystrophy 2. Last evaluated: 2024-02-14. Review status: criteria provided, single submitter. Criteria: Invitae Variant Classification Sherloc (09022015). Collection method: clinical testing. Allele origin: germline.
Comment: This sequence change replaces phenylalanine, which is neutral and non-polar, with valine, which is neutral and non-polar, at codon 1877 of the COL12A1 protein (p.Phe1877Val). This variant is present in population databases (no rsID available, gnomAD 0.002%). This variant has not been reported in the literature in individuals affected with COL12A1-related conditions. ClinVar contains an entry for this variant (Variation ID: 1037341). Advanced modeling of protein sequence and biophysical properties (such as structural, functional, and spatial information, amino acid conservation, physicochemical variation, residue mobility, and thermodynamic stability) performed at Invitae indicates that this missense variant is not expected to disrupt COL12A1 protein function with a negative predictive value of 80%. In summary, the available evidence is currently insufficient to determine the role of this variant in disease. Therefore, it has been classified as a Variant of Uncertain Significance.

Revvity Omics, Revvity
Classification: Uncertain significance. Last evaluated: 2023-07-25. Review status: criteria provided, single submitter. Criteria: ACMG Guidelines, 2015. Collection method: clinical testing. Allele origin: germline.

PreventionGenetics, part of Exact Sciences
Classification: Uncertain significance for COL12A1-related condition. Last evaluated: 2023-06-13. Review status: criteria provided, single submitter. Criteria: ACMG Guidelines, 2015. Collection method: clinical testing. Allele origin: germline.
Comment: The COL12A1 c.5629T>G variant is predicted to result in the amino acid substitution p.Phe1877Val. To our knowledge, this variant has not been reported in the literature. This variant is reported in 0.0018% of alleles in individuals of European (Non-Finnish) descent in gnomAD. At this time, the clinical significance of this variant is uncertain due to the absence of conclusive functional and genetic evidence.

NM_004370.6(COL12A1):c.5629T>G (p.Phe1877Val)

Gene: COL12A1 (collagen type XII alpha 1 chain; minus strand). Cytogenetic location: 6q13.
Variant type: single nucleotide variant.
Coding change: c.5629T>G on transcript NM_004370.6 (MANE Select); coding-DNA position 5629, T replaced by G.
Protein change: p.Phe1877Val; replaces phenylalanine 1877 with valine.
Molecular consequence: missense variant.
Genome position (GRCh38, 1-based): chr6:75,133,893, A>C on the plus strand (T>G on the coding strand, the complement: COL12A1 is on the minus strand). VCF-style: chr6-75133893-A-C. GRCh37 (hg19) VCF-style: chr6-75843609-A-C.
Other names: c.2137T>G, p.Phe713Val (NM_080645.3); c.5629T>G (NM_004370.5); short protein forms F713V, F1877V.
Identifiers: ClinVar variation 1037341 (VCV001037341.13), dbSNP rs1416074718, ClinGen allele CA364734874.